The following is an entry in ClinVar:

ClinVar aggregate classification (germline): Uncertain significance (1 of 4 stars; one submission).

Conditions:
Glycogen storage disease, type II (IOPD). Also called: Pompe Disease; CARDIOMEGALIA GLYCOGENICA DIFFUSA; GLYCOGENOSIS, GENERALIZED, CARDIAC FORM; GSD II; POMPE DISEASE, INFANTILE-ONSET; GLYCOGEN STORAGE DISEASE II, INFANTILE-ONSET. Identifiers: Orphanet 365, MedGen C0017921, MONDO:0009290, OMIM 232300.

Submission:

Genomenon, Inc
Classification: Uncertain significance for Glycogen storage disease, type II. Last evaluated: 2026-07-01. Review status: criteria provided, single submitter. Criteria: Genomenon Sequence Variant Interpretation Standards - Updated. Collection method: curation. Allele origin: germline. Affected: no.
Comment: GAA p.Ser924Pro (c.2770T>C) is a missense variant that changes the amino acid at codon 924 from Serine to Proline. This variant has been reported in the published literature (PMID:31342611;16860134). Well-established functional studies show no damaging effect of this variant on protein function, supporting a benign classification (PMID:18425781). It is absent or not present at a significant frequency in gnomAD. In conclusion, we classify GAA p.Ser924Pro (c.2770T>C) as a variant of uncertain significance.

Literature cited by the submitters: PubMed 31342611; PubMed 16860134; PubMed 18425781.

NM_000152.5(GAA):c.2770T>C (p.Ser924Pro)

Gene: GAA (alpha glucosidase; plus strand). Cytogenetic location: 17q25.3.
Variant type: single nucleotide variant.
Coding change: c.2770T>C on transcript NM_000152.5 (MANE Select); coding-DNA position 2770, T replaced by C.
Protein change: p.Ser924Pro; replaces serine 924 with proline.
Molecular consequence: missense variant.
Genome position (GRCh38, 1-based): chr17:80,118,776, T>C. VCF-style: chr17-80118776-T-C. GRCh37 (hg19) VCF-style: chr17-78092575-T-C.
Other names: c.2770T>C, p.Ser924Pro (NM_001079803.3, NM_001079804.3, NM_001406741.1 and 1 more transcripts); short protein forms S924P.
Identifiers: ClinVar variation 4876264 (VCV004876264.1).